The following is an entry in ClinVar:

ClinVar aggregate classification (germline): Pathogenic (1 of 4 stars; one submission).

Submission:

Labcorp Genetics (formerly Invitae), Labcorp
Classification: Pathogenic. Last evaluated: 2021-10-02. Review status: criteria provided, single submitter. Criteria: Invitae Variant Classification Sherloc (09022015). Collection method: clinical testing. Allele origin: germline.
Comment: For these reasons, this variant has been classified as Pathogenic. This variant has not been reported in the literature in individuals affected with PHEX-related conditions. This variant is a gross deletion of the genomic region encompassing exon(s) 18 of the PHEX gene. This deletion is out-of-frame, and is expected to create a premature termination codon and result in an absent or disrupted protein product. Loss-of-function variants in PHEX are known to be pathogenic (PMID: 9097956, 9106524, 19219621).

Literature cited by the submitters: PubMed 9097956; PubMed 9106524; PubMed 19219621.

NC_000023.10:g.(?_22239710)_(22239880_?)del

Gene: PHEX (phosphate regulating endopeptidase X-linked; plus strand). Cytogenetic location: Xp22.11.
Variant type: Deletion.
Identifiers: ClinVar variation 1454974 (VCV001454974.4).